The following is an entry in ClinVar:

ClinVar aggregate classification (germline): Uncertain significance. Review status: criteria provided, multiple submitters, no conflicts (2 of 4 stars). 2 submissions from 2 submitters: Uncertain significance (2). Last evaluated 2026-07-06.

Conditions:
Inborn genetic diseases. Identifiers: MedGen C0950123, MeSH D030342.
Wilms tumor 1 (WT1). Also called: Wilms tumor, somatic. Identifiers: Orphanet 654, MedGen CN033288, MONDO:0008679, OMIM 194070.
11p partial monosomy syndrome (WAGR). Also called: CHROMOSOME 11p13 DELETION SYNDROME; WAGR syndrome; WAGR Complex; WAGR Spectrum Disorder. Identifiers: Orphanet 893, MedGen C0206115, MONDO:0008681, OMIM 194072.
Drash syndrome (DDS). Also called: NEPHROPATHY, WILMS TUMOR, AND GENITAL ANOMALIES; WILMS TUMOR AND PSEUDO- OR TRUE HERMAPHRODITISM. Identifiers: Orphanet 220, MedGen C0950121, MONDO:0008682, OMIM 194080.
Frasier syndrome. Identifiers: Orphanet 347, MedGen C0950122, MeSH D052159, MONDO:0007635, OMIM 136680.

Submissions (2):

Ambry Genetics
Classification: Uncertain significance for Inborn genetic diseases. Last evaluated: 2026-07-06. Review status: criteria provided, single submitter. Criteria: Ambry Variant Classification Scheme 2023. Collection method: clinical testing. Allele origin: germline.
Comment: The p.C92S variant (also known as c.275G>C), located in coding exon 1 of the WT1 gene, results from a G to C substitution at nucleotide position 275. The cysteine at codon 92 is replaced by serine, an amino acid with dissimilar properties. This amino acid position is conserved. In addition, the in silico prediction for this alteration is inconclusive. Based on the available evidence, the clinical significance of this variant remains unclear.

Labcorp Genetics (formerly Invitae), Labcorp
Classification: Uncertain significance for Wilms tumor 1; Drash syndrome; 11p partial monosomy syndrome; Frasier syndrome. Last evaluated: 2019-10-29. Review status: criteria provided, single submitter. Criteria: Invitae Variant Classification Sherloc (09022015). Collection method: clinical testing. Allele origin: germline.
Comment: In summary, the available evidence is currently insufficient to determine the role of this variant in disease. Therefore, it has been classified as a Variant of Uncertain Significance. Algorithms developed to predict the effect of missense changes on protein structure and function are either unavailable or do not agree on the potential impact of this missense change (SIFT: "Tolerated"; PolyPhen-2: "Possibly Damaging"; Align-GVGD: "Class C0"). This variant has not been reported in the literature in individuals with WT1-related conditions. The frequency data for this variant in the population databases is considered unreliable, as metrics indicate insufficient coverage at this position in the ExAC database. This sequence change replaces cysteine with serine at codon 92 of the WT1 protein (p.Cys92Ser). The cysteine residue is moderately conserved and there is a moderate physicochemical difference between cysteine and serine.

NM_024426.6(WT1):c.290G>C (p.Cys97Ser)

Genes: WT1 (WT1 transcription factor; minus strand), LOC107982234 (WT1/WT1-AS bi-directional promoter region; plus strand). Cytogenetic location: 11p13.
Variant type: single nucleotide variant.
Coding change: c.290G>C on transcript NM_024426.6 (MANE Select); coding-DNA position 290, G replaced by C.
Protein change: p.Cys97Ser; replaces cysteine 97 with serine.
Molecular consequence: missense variant. On other transcripts: non-coding transcript variant (1).
Genome position (GRCh38, 1-based): chr11:32,435,071, C>G on the plus strand (G>C on the coding strand, the complement: WT1 is on the minus strand). VCF-style: chr11-32435071-C-G. GRCh37 (hg19) VCF-style: chr11-32456617-C-G.
Other names: c.290G>C, p.Cys97Ser (NM_000378.6, NM_024424.5); short protein forms C97S.
Identifiers: ClinVar variation 966320 (VCV000966320.11), dbSNP rs1853462998, ClinGen allele CA379965994.